The following is an entry in ClinVar:

NM_005591.4(MRE11):c.*189G>A

Gene: MRE11 (MRE11 homolog, double strand break repair nuclease; minus strand). Cytogenetic location: 11q21.
Variant type: single nucleotide variant.
Coding change: c.*189G>A on transcript NM_005591.4 (MANE Select); 189 bases downstream of the stop codon, G replaced by A.
Molecular consequence: 3 prime UTR variant.
Genome position (GRCh38, 1-based): chr11:94,419,936, C>T on the plus strand (G>A on the coding strand, the complement: MRE11 is on the minus strand). VCF-style: chr11-94419936-C-T. GRCh37 (hg19) VCF-style: chr11-94153102-C-T.
Other names: c.*189G>A (NM_001330347.2, NM_005590.4).
Identifiers: ClinVar variation 306487 (VCV000306487.5), dbSNP rs151287483, ClinGen allele CA10640503.

ClinVar aggregate classification (germline): Likely benign (1 of 4 stars; one submission).

Conditions:
Ataxia-telangiectasia-like disorder 1 (ATLD1). Identifiers: Orphanet 251347, MedGen C4012790, MONDO:0024557, OMIM 604391.

Allele frequency attached by ClinVar (database versions not stated): 1000 Genomes Project 0.00100; 1000 Genomes Project 30x 0.00141; TOPMed 0.00159; gnomAD 0.00170 and 0.00171; gnomAD exomes 0.00235.
gnomAD v4.1: 989 of 468,942 alleles (0.21%); highest among the groups gnomAD compares: Non-Finnish European, 0.31%; no homozygotes.

Submission:

Illumina Laboratory Services, Illumina
Classification: Likely benign for Ataxia-telangiectasia-like disorder 1. Last evaluated: 2018-01-12. Review status: criteria provided, single submitter. Criteria: ICSL Variant Classification Criteria 13 December 2019. Collection method: clinical testing. Allele origin: germline.
Comment: This variant was observed in the ICSL laboratory as part of a predisposition screen in an ostensibly healthy population. It had not been previously curated by ICSL or reported in the Human Gene Mutation Database (HGMD: prior to June 1st, 2018), and was therefore a candidate for classification through an automated scoring system. Utilizing variant allele frequency, disease prevalence and penetrance estimates, and inheritance mode, an automated score was calculated to assess if this variant is too frequent to cause the disease. Based on the score and internal cut-off values, a variant classified as likely benign is not then subjected to further curation. The score for this variant resulted in a classification of likely benign for this disease.